The following is an entry in ClinVar:

ClinVar aggregate classification (germline): Uncertain significance (1 of 4 stars; one submission).

Conditions:
Nemaline myopathy 8 (NEM8). Also called: Nemaline myopathy 8, autosomal recessive. Identifiers: Orphanet 171430, MedGen C3809209, MONDO:0014138, OMIM 615348.

Submission:

Labcorp Genetics (formerly Invitae), Labcorp
Classification: Uncertain significance for Nemaline myopathy 8. Last evaluated: 2021-09-15. Review status: criteria provided, single submitter. Criteria: Invitae Variant Classification Sherloc (09022015). Collection method: clinical testing. Allele origin: germline.
Comment: This sequence change replaces alanine with threonine at codon 99 of the KLHL40 protein (p.Ala99Thr). The alanine residue is highly conserved and there is a small physicochemical difference between alanine and threonine. This variant is not present in population databases (ExAC no frequency). This variant has not been reported in the literature in individuals affected with KLHL40-related conditions. Algorithms developed to predict the effect of missense changes on protein structure and function (SIFT, PolyPhen-2, Align-GVGD) all suggest that this variant is likely to be tolerated. In summary, the available evidence is currently insufficient to determine the role of this variant in disease. Therefore, it has been classified as a Variant of Uncertain Significance.

NM_152393.4(KLHL40):c.295G>A (p.Ala99Thr)

Gene: KLHL40 (kelch like family member 40; plus strand). Cytogenetic location: 3p22.1.
Variant type: single nucleotide variant.
Coding change: c.295G>A on transcript NM_152393.4 (MANE Select); coding-DNA position 295, G replaced by A.
Protein change: p.Ala99Thr; replaces alanine 99 with threonine.
Molecular consequence: missense variant.
Genome position (GRCh38, 1-based): chr3:42,685,913, G>A. VCF-style: chr3-42685913-G-A. GRCh37 (hg19) VCF-style: chr3-42727405-G-A.
Other names: short protein forms A99T.
Identifiers: ClinVar variation 1381347 (VCV001381347.6), dbSNP rs2125844586, ClinGen allele CA352289076.
Genomic context (GRCh38, chr3:42,685,913, plus strand): 5'-CCGGACGTGGTGGCCCAGGTGCTGCACTACCTGTACACATCAGAGATCGCGCTGGATGAG[G>A]CGAGCGTGCAGGATTTGTTCGCCGCGGCACACCGCTTCCAGATCCCTTCCATCTTCACCA-3'
Protein context (NP_689606.2, residues 89-109): LYTSEIALDE[Ala99Thr]SVQDLFAAAH